The following is an entry in ClinVar:

ClinVar aggregate classification (germline): Pathogenic. Review status: criteria provided, multiple submitters, no conflicts (2 of 4 stars). 3 submissions from 3 submitters: Pathogenic (3). Last evaluated 2023-04-11.

Conditions:
Encephalopathy due to GLUT1 deficiency. Also called: GLUT1 deficiency syndrome 1; Classic Glucose Transporter Type 1 Deficiency Syndrome; GLUCOSE TRANSPORT DEFECT, BLOOD-BRAIN BARRIER; De Vivo disease; Glucose transporter protein syndrome; GLUT1 deficiency syndrome 1, infantile onset, severe. Identifiers: Orphanet 71277, MedGen C4551966, MONDO:0011724, OMIM 606777.
GLUT1 deficiency syndrome 1, autosomal recessive. Identifiers: MedGen C3149117.

Submissions (3):

Genome-Nilou Lab
Classification: Pathogenic for Encephalopathy due to GLUT1 deficiency. Last evaluated: 2023-04-11. Review status: criteria provided, single submitter. Criteria: ACMG Guidelines, 2015. Collection method: clinical testing. Allele origin: germline. Affected: no.

Mendelics
Classification: Pathogenic for Encephalopathy due to GLUT1 deficiency. Last evaluated: 2019-05-28. Review status: criteria provided, single submitter. Criteria: Mendelics Assertion Criteria 2017. Collection method: clinical testing. Allele origin: unknown.

Labcorp Genetics (formerly Invitae), Labcorp
Classification: Pathogenic for GLUT1 deficiency syndrome 1, autosomal recessive. Last evaluated: 2018-07-08. Review status: criteria provided, single submitter. Criteria: Invitae Variant Classification Sherloc (09022015). Collection method: clinical testing. Allele origin: germline.
Comment: For these reasons, this variant has been classified as Pathogenic. This variant has not been reported in the literature in individuals with SLC2A1-related disease. Loss-of-function variants in SLC2A1 are known to be pathogenic (PMID: 21832227, 26193382). This variant is not present in population databases (ExAC no frequency). This sequence change creates a premature translational stop signal (p.Trp186*) in the SLC2A1 gene. It is expected to result in an absent or disrupted protein product.

Literature cited by the submitters: PubMed 21832227 (cited by Labcorp Genetics (formerly Invitae), Labcorp); PubMed 26193382 (cited by Labcorp Genetics (formerly Invitae), Labcorp).

NM_006516.4(SLC2A1):c.557G>A (p.Trp186Ter)

Gene: SLC2A1 (solute carrier family 2 member 1; minus strand). Cytogenetic location: 1p34.2.
Variant type: single nucleotide variant.
Coding change: c.557G>A on transcript NM_006516.4 (MANE Select); coding-DNA position 557, G replaced by A.
Protein change: p.Trp186Ter; replaces tryptophan 186 with a stop codon.
Molecular consequence: nonsense.
Genome position (GRCh38, 1-based): chr1:42,929,995, C>T on the plus strand (G>A on the coding strand, the complement: SLC2A1 is on the minus strand). VCF-style: chr1-42929995-C-T. GRCh37 (hg19) VCF-style: chr1-43395666-C-T.
Other names: short protein forms W186*.
Identifiers: ClinVar variation 647165 (VCV000647165.8), dbSNP rs1570592933, ClinGen allele CA339958705.